The following is an entry in ClinVar:

ClinVar aggregate classification (germline): Uncertain significance (1 of 4 stars; one submission).

Conditions:
Hereditary cancer-predisposing syndrome. Also called: Tumor predisposition; Hereditary Cancer Syndrome; Neoplastic Syndromes, Hereditary; Hereditary neoplastic syndrome. Identifiers: Orphanet 140162, MedGen C0027672, MeSH D009386, MONDO:0015356.

Submission:

Ambry Genetics
Classification: Uncertain significance for Hereditary cancer-predisposing syndrome. Last evaluated: 2021-10-06. Review status: criteria provided, single submitter. Criteria: Ambry Variant Classification Scheme 2023. Collection method: clinical testing. Allele origin: germline.
Comment: The p.D878N variant (also known as c.2632G>A), located in coding exon 25 of the RB1 gene, results from a G to A substitution at nucleotide position 2632. The aspartic acid at codon 878 is replaced by asparagine, an amino acid with highly similar properties. This amino acid position is highly conserved in available vertebrate species. In addition, the in silico prediction for this alteration is inconclusive. Since supporting evidence is limited at this time, the clinical significance of this alteration remains unclear.

NM_000321.3(RB1):c.2632G>A (p.Asp878Asn)

Gene: RB1 (RB transcriptional corepressor 1; plus strand). Cytogenetic location: 13q14.2.
Variant type: single nucleotide variant.
Coding change: c.2632G>A on transcript NM_000321.3 (MANE Select); coding-DNA position 2632, G replaced by A.
Protein change: p.Asp878Asn; replaces aspartic acid 878 with asparagine.
Molecular consequence: missense variant.
Genome position (GRCh38, 1-based): chr13:48,476,812, G>A. VCF-style: chr13-48476812-G-A. GRCh37 (hg19) VCF-style: chr13-49050948-G-A.
Other names: c.2632G>A, p.Asp878Asn (NM_001407165.1); c.82G>A, p.Asp28Asn (NM_001407168.1); short protein forms D878N, D28N.
Identifiers: ClinVar variation 1794073 (VCV001794073.2), dbSNP rs2138359492, ClinGen allele CA388157537.